The following is an entry in ClinVar:

NM_138459.5(NUS1):c.139_162dup (p.Phe54_Thr55insAlaValLeuAlaProLeuGlyPhe)

Gene: NUS1 (NUS1 dehydrodolichyl diphosphate synthase subunit; plus strand). Cytogenetic location: 6q22.1.
Variant type: Duplication.
Coding change: c.139_162dup on transcript NM_138459.5 (MANE Select); coding-DNA positions 139 to 162, 24 bases duplicated (GCGGTCCTAGCGCCGCTCGGCTTC).
Protein change: p.Phe54_Thr55insAlaValLeuAlaProLeuGlyPhe.
Molecular consequence: inframe insertion.
Genome position (GRCh38, 1-based): chr6:117,675,809-117,675,832, GCGGTCCTAGCGCCGCTCGGCTTC duplicated; duplicating any 24 consecutive bases within chr6:117,675,808-117,675,832 gives the same sequence; the c. name uses the placement nearest the transcript's 3' end. VCF-style (leftmost placement, unchanged base first): chr6-117675807-C-CCGCGGTCCTAGCGCCGCTCGGCTT. GRCh37 (hg19) VCF-style: chr6-117996970-C-CCGCGGTCCTAGCGCCGCTCGGCTT.
Identifiers: ClinVar variation 3781314 (VCV003781314.1).

ClinVar aggregate classification (germline): Uncertain significance (1 of 4 stars; one submission).

Submission:

GeneDx
Classification: Uncertain significance. Last evaluated: 2024-10-21. Review status: criteria provided, single submitter. Criteria: GeneDx Variant Classification Process June 2021. Collection method: clinical testing. Allele origin: germline. Affected: yes.
Comment: Not observed at significant frequency in large population cohorts (gnomAD); In-frame duplication of 8 amino acid(s) in a non-repeat region; Has not been previously published as pathogenic or benign to our knowledge